The following is an entry in ClinVar:

NM_000059.4(BRCA2):c.8142A>G (p.Gln2714=)

Gene: BRCA2 (BRCA2 DNA repair associated; plus strand). Cytogenetic location: 13q13.1.
Variant type: single nucleotide variant.
Coding change: c.8142A>G on transcript NM_000059.4 (MANE Select); coding-DNA position 8142, A replaced by G.
Protein change: p.Gln2714=; no amino-acid change (glutamine 2714 retained).
Molecular consequence: synonymous variant.
Genome position (GRCh38, 1-based): chr13:32,363,344, A>G. VCF-style: chr13-32363344-A-G. GRCh37 (hg19) VCF-style: chr13-32937481-A-G.
Identifiers: ClinVar variation 920899 (VCV000920899.7), dbSNP rs2072757082, ClinGen allele CA483439564.

ClinVar aggregate classification (germline): Likely benign. Review status: criteria provided, multiple submitters, no conflicts (2 of 4 stars). 4 submissions from 4 submitters: Likely benign (4). Last evaluated 2024-10-02.

Conditions:
Hereditary cancer-predisposing syndrome. Also called: Hereditary Cancer Syndrome; Hereditary neoplastic syndrome; Neoplastic Syndromes, Hereditary; Tumor predisposition. Identifiers: Orphanet 140162, MedGen C0027672, MeSH D009386, MONDO:0015356.
Hereditary breast ovarian cancer syndrome. Also called: BRCA1- and BRCA2-Associated Hereditary Breast and Ovarian Cancer; Hereditary breast and ovarian cancer syndrome; Hereditary breast and ovarian cancer syndrome (HBOC); Breast and ovarian cancer; Hereditary breast and ovarian cancer; Hereditary breast and/or ovarian cancer syndrome. Identifiers: Orphanet 145, MedGen C0677776, MeSH D061325, MONDO:0003582. Disease mechanism: loss of function.
Breast-ovarian cancer, familial, susceptibility to, 2 (BROVCA2). Also called: BRCA2 Hereditary Breast and Ovarian Cancer. Identifiers: Orphanet 145, MedGen C2675520, MONDO:0012933, OMIM 612555. Disease mechanism: loss of function.

Allele frequency attached by ClinVar (database versions not stated): gnomAD exomes below 0.00001.
gnomAD v4.1: 1 of 1,614,184 alleles (0.000062%); highest among the groups gnomAD compares: Non-Finnish European, 0.000085%; no homozygotes.

Submissions (4):

Labcorp Genetics (formerly Invitae), Labcorp
Classification: Likely benign for Hereditary breast ovarian cancer syndrome. Last evaluated: 2024-10-02. Review status: criteria provided, single submitter. Criteria: Invitae Variant Classification Sherloc (09022015). Collection method: clinical testing. Allele origin: germline.

All of Us Research Program, National Institutes of Health
Classification: Likely benign for Breast-ovarian cancer, familial, susceptibility to, 2. Last evaluated: 2023-12-01. Review status: criteria provided, single submitter. Criteria: ACMG Guidelines, 2015. Collection method: clinical testing. Allele origin: germline. Inheritance: Autosomal dominant inheritance. Observed: 2 variant alleles, 2 heterozygotes.
Comment: This study involves interpretation of variants in research participants for the purpose of population health screening. Participant phenotype was not available at the time of variant classification. Additional details can be found in publication PMID: 35346344, PMCID: PMC8962531

Ambry Genetics
Classification: Likely benign for Hereditary cancer-predisposing syndrome. Last evaluated: 2021-11-05. Review status: criteria provided, single submitter. Criteria: Ambry Variant Classification Scheme 2023. Collection method: clinical testing. Allele origin: germline.

Color Diagnostics, LLC DBA Color Health
Classification: Likely benign for Hereditary cancer-predisposing syndrome. Last evaluated: 2019-11-07. Review status: criteria provided, single submitter. Criteria: ACMG Guidelines, 2015. Collection method: clinical testing. Allele origin: germline.